The following is an entry in ClinVar:

NM_001942.4(DSG1):c.2636G>T (p.Gly879Val)

Genes: DSG1 (desmoglein 1; plus strand), DSG1-AS1 (DSG1 antisense RNA 1; minus strand), LOC126862720 (MED14-independent group 3 enhancer GRCh37_chr18:28933613-28934812; plus strand). Cytogenetic location: 18q12.1.
Variant type: single nucleotide variant.
Coding change: c.2636G>T on transcript NM_001942.4 (MANE Select); coding-DNA position 2636, G replaced by T.
Protein change: p.Gly879Val; replaces glycine 879 with valine.
Molecular consequence: missense variant.
Genome position (GRCh38, 1-based): chr18:31,354,832, G>T. VCF-style: chr18-31354832-G-T. GRCh37 (hg19) VCF-style: chr18-28934795-G-T.
Other names: short protein forms G879V.
Identifiers: ClinVar variation 4725667 (VCV004725667.1).

ClinVar aggregate classification (germline): Uncertain significance (1 of 4 stars; one submission).

gnomAD v4.1: 1 of 1,614,158 alleles (0.000062%); highest among the groups gnomAD compares: Non-Finnish European, 0.000085%; no homozygotes.

Submission:

Labcorp Genetics (formerly Invitae), Labcorp
Classification: Uncertain significance. Last evaluated: 2025-08-23. Review status: criteria provided, single submitter. Criteria: Invitae Variant Classification Sherloc (09022015). Collection method: clinical testing. Allele origin: germline.
Comment: This sequence change replaces glycine, which is neutral and non-polar, with valine, which is neutral and non-polar, at codon 879 of the DSG1 protein (p.Gly879Val). This variant is not present in population databases (gnomAD no frequency). This variant has not been reported in the literature in individuals affected with DSG1-related conditions. An algorithm developed to predict the effect of missense changes on protein structure and function (PolyPhen-2) suggests that this variant is likely to be disruptive. In summary, the available evidence is currently insufficient to determine the role of this variant in disease. Therefore, it has been classified as a Variant of Uncertain Significance.